The following is an entry in ClinVar:

ClinVar aggregate classification (germline): Uncertain significance. Review status: criteria provided, single submitter (1 of 4 stars). 2 submissions from 2 submitters: Uncertain significance (1). 1 of the submissions does not count toward it. Last evaluated 2025-05-07.

Conditions:
TNFRSF21-related condition.

gnomAD v4.1: 88 of 1,614,102 alleles (0.0055%); highest among the groups gnomAD compares: Non-Finnish European, 0.0072%; no homozygotes.

Submissions (2):

Ambry Genetics
Classification: Uncertain significance. Last evaluated: 2025-05-07. Review status: criteria provided, single submitter. Criteria: Ambry Variant Classification Scheme 2023. Collection method: clinical testing. Allele origin: germline.

PreventionGenetics, part of Exact Sciences
Classification: Uncertain significance for TNFRSF21-related condition. Last evaluated: 2024-07-10. Review status: no assertion criteria provided. Collection method: clinical testing. Allele origin: germline. Not counted in ClinVar's aggregate classification.
Comment: The TNFRSF21 c.653C>T variant is predicted to result in the amino acid substitution p.Ser218Phe. To our knowledge, this variant has not been reported in the literature. This variant is reported in 0.0079% of alleles in individuals of European (Non-Finnish) descent in gnomAD. At this time, the clinical significance of this variant is uncertain due to the absence of conclusive functional and genetic evidence.

NM_014452.5(TNFRSF21):c.653C>T (p.Ser218Phe)

Genes: TNFRSF21 (TNF receptor superfamily member 21; minus strand), LOC126859685 (MED14-independent group 3 enhancer GRCh37_chr6:47252971-47254170; plus strand). Cytogenetic location: 6p12.3.
Variant type: single nucleotide variant.
Coding change: c.653C>T on transcript NM_014452.5 (MANE Select); coding-DNA position 653, C replaced by T.
Protein change: p.Ser218Phe; replaces serine 218 with phenylalanine.
Molecular consequence: missense variant.
Genome position (GRCh38, 1-based): chr6:47,286,039, G>A on the plus strand (C>T on the coding strand, the complement: TNFRSF21 is on the minus strand). VCF-style: chr6-47286039-G-A. GRCh37 (hg19) VCF-style: chr6-47253775-G-A.
Other names: c.653C>T (NM_014452.3); short protein forms S218F.
Identifiers: ClinVar variation 3353507 (VCV003353507.2).